The following is an entry in ClinVar:

NM_004415.4(DSP):c.2747A>C (p.Lys916Thr)

Gene: DSP (desmoplakin; plus strand). Cytogenetic location: 6p24.3.
Variant type: single nucleotide variant.
Coding change: c.2747A>C on transcript NM_004415.4 (MANE Select); coding-DNA position 2747, A replaced by C.
Protein change: p.Lys916Thr; replaces lysine 916 with threonine.
Molecular consequence: missense variant.
Genome position (GRCh38, 1-based): chr6:7,576,410, A>C. VCF-style: chr6-7576410-A-C. GRCh37 (hg19) VCF-style: chr6-7576643-A-C.
Other names: c.2747A>C (LRG_423t1); c.2747A>C, p.Lys916Thr (NM_001008844.3, NM_001319034.2); short protein forms K916T.
Identifiers: ClinVar variation 519505 (VCV000519505.5), dbSNP rs1554107730, ClinGen allele CA362682038.

ClinVar aggregate classification (germline): Uncertain significance (1 of 4 stars; one submission).

Conditions:
Cardiovascular phenotype. Identifiers: MedGen CN230736.

Submission:

Ambry Genetics
Classification: Uncertain significance for Cardiovascular phenotype. Last evaluated: 2017-09-06. Review status: criteria provided, single submitter. Criteria: Ambry Variant Classification Scheme 2023. Collection method: clinical testing. Allele origin: germline.
Comment: The p.K916T variant (also known as c.2747A>C), located in coding exon 19 of the DSP gene, results from an A to C substitution at nucleotide position 2747. The lysine at codon 916 is replaced by threonine, an amino acid with similar properties. This amino acid position is highly conserved in available vertebrate species. In addition, the in silico prediction for this alteration is inconclusive. Since supporting evidence is limited at this time, the clinical significance of this alteration remains unclear.